The following is an entry in ClinVar:

NM_007194.4(CHEK2):c.837G>C (p.Lys279Asn)

Gene: CHEK2 (checkpoint kinase 2; minus strand). Cytogenetic location: 22q12.1.
Variant type: single nucleotide variant.
Coding change: c.837G>C on transcript NM_007194.4 (MANE Select); coding-DNA position 837, G replaced by C.
Protein change: p.Lys279Asn; replaces lysine 279 with asparagine.
Molecular consequence: missense variant.
Genome position (GRCh38, 1-based): chr22:28,710,015, C>G on the plus strand (G>C on the coding strand, the complement: CHEK2 is on the minus strand). VCF-style: chr22-28710015-C-G. GRCh37 (hg19) VCF-style: chr22-29106003-C-G.
Other names: c.966G>C, p.Lys322Asn (NM_001005735.3); c.174G>C, p.Lys58Asn (NM_001257387.3); c.636G>C, p.Lys212Asn (NM_001349956.3); c.837G>C, p.Lys279Asn (NM_145862.3); short protein forms K279N, K58N, K212N, K322N.
Identifiers: ClinVar variation 2024255 (VCV002024255.4), dbSNP rs761306535, ClinGen allele CA411102311.

ClinVar aggregate classification (germline): Uncertain significance (1 of 4 stars; one submission).

Conditions:
Familial cancer of breast. Also called: hereditary breast carcinoma; BREAST CANCER, FAMILIAL; Hereditary breast cancer. Identifiers: Orphanet 227535, MedGen C0346153, MONDO:0016419, OMIM 114480. Disease mechanism: loss of function.

Submission:

Labcorp Genetics (formerly Invitae), Labcorp
Classification: Uncertain significance for Familial cancer of breast. Last evaluated: 2023-06-06. Review status: criteria provided, single submitter. Criteria: Invitae Variant Classification Sherloc (09022015). Collection method: clinical testing. Allele origin: germline.
Comment: In summary, the available evidence is currently insufficient to determine the role of this variant in disease. Therefore, it has been classified as a Variant of Uncertain Significance. An algorithm developed to predict the effect of missense changes on protein structure and function (PolyPhen-2) suggests that this variant is likely to be disruptive. ClinVar contains an entry for this variant (Variation ID: 2024255). This variant has not been reported in the literature in individuals affected with CHEK2-related conditions. This variant is not present in population databases (gnomAD no frequency). This sequence change replaces lysine, which is basic and polar, with asparagine, which is neutral and polar, at codon 279 of the CHEK2 protein (p.Lys279Asn).